The following is an entry in ClinVar:

ClinVar aggregate classification (germline): Likely benign (0 of 4 stars; one submission).

Conditions:
SEMA3G-related disorder. Also called: SEMA3G-related condition.

Allele frequency attached by ClinVar (database versions not stated): gnomAD 0.00003; gnomAD exomes 0.00003; ExAC 0.00004; TOPMed 0.00006.
gnomAD v4.1: 49 of 1,585,882 alleles (0.0031%); highest among the groups gnomAD compares: Admixed American, 0.01%; no homozygotes.

Submission:

PreventionGenetics, part of Exact Sciences
Classification: Likely benign for SEMA3G-related condition. Last evaluated: 2021-09-16. Review status: no assertion criteria provided. Collection method: clinical testing. Allele origin: germline.
Comment: This variant is classified as likely benign based on ACMG/AMP sequence variant interpretation guidelines (Richards et al. 2015 PMID: 25741868, with internal and published modifications).

NM_020163.3(SEMA3G):c.814-8T>C

Gene: SEMA3G (semaphorin 3G; minus strand). Cytogenetic location: 3p21.1.
Variant type: single nucleotide variant.
Coding change: c.814-8T>C on transcript NM_020163.3 (MANE Select); 8 bases into the intron before coding-DNA position 814, T replaced by C.
Molecular consequence: intron variant.
Genome position (GRCh38, 1-based): chr3:52,441,056, A>G on the plus strand (T>C on the coding strand, the complement: SEMA3G is on the minus strand). VCF-style: chr3-52441056-A-G. GRCh37 (hg19) VCF-style: chr3-52475072-A-G.
Identifiers: ClinVar variation 3060629 (VCV003060629.2), dbSNP rs747859673, ClinGen allele CA2438178.